The following is an entry in ClinVar:

ClinVar aggregate classification (germline): Uncertain significance (1 of 4 stars; one submission).

Conditions:
Epidermolysis bullosa simplex with nail dystrophy (EBS5D). Identifiers: MedGen C4225309, MONDO:0014661, OMIM 616487.
Epidermolysis bullosa simplex, Ogna type (EBS5A). Also called: EPIDERMOLYSIS BULLOSA SIMPLEX 5A, OGNA TYPE; Pidermolysis bullosa simplex 5A, Ogna type. Identifiers: Orphanet 79401, MedGen C0432317, MONDO:0007555, OMIM 131950.
Autosomal recessive limb-girdle muscular dystrophy type 2Q (LGMDR17). Also called: MUSCULAR DYSTROPHY, LIMB-GIRDLE, AUTOSOMAL RECESSIVE 17. Identifiers: Orphanet 254361, MedGen C3150989, MONDO:0013390, OMIM 613723.
Epidermolysis bullosa simplex 5B, with muscular dystrophy (EBS5B). Also called: EPIDERMOLYSIS BULLOSA SIMPLEX AND LIMB-GIRDLE MUSCULAR DYSTROPHY; Epidermolysis bullosa simplex with muscular dystrophy. Identifiers: Orphanet 257, MedGen C2931072, MONDO:0009181, OMIM 226670.
Epidermolysis bullosa simplex 5C, with pyloric atresia (EBS5C). Also called: PLEC1-Related Epidermolysis Bullosa with Pyloric Atresia; PLEC-Related Epidermolysis Bullosa with Pyloric Atresia; Epidermolysis bullosa simplex with pyloric atresia. Identifiers: Orphanet 158684, MedGen C2677349, MONDO:0012807, OMIM 612138.

gnomAD v4.1: 2 of 1,602,934 alleles (0.00012%); highest among the groups gnomAD compares: Admixed American, 0.0034%; no homozygotes.

Submission:

Labcorp Genetics (formerly Invitae), Labcorp
Classification: Uncertain significance for Autosomal recessive limb-girdle muscular dystrophy type 2Q; Epidermolysis bullosa simplex, Ogna type; Epidermolysis bullosa simplex with nail dystrophy; Epidermolysis bullosa simplex 5C, with pyloric atresia; Epidermolysis bullosa simplex 5B, with muscular dystrophy. Last evaluated: 2024-05-28. Review status: criteria provided, single submitter. Criteria: Invitae Variant Classification Sherloc (09022015). Collection method: clinical testing. Allele origin: germline.
Comment: This sequence change replaces cysteine, which is neutral and slightly polar, with tryptophan, which is neutral and slightly polar, at codon 855 of the PLEC protein (p.Cys855Trp). This variant is present in population databases (rs367851580, gnomAD 0.006%). This variant has not been reported in the literature in individuals affected with PLEC-related conditions. Advanced modeling of protein sequence and biophysical properties (such as structural, functional, and spatial information, amino acid conservation, physicochemical variation, residue mobility, and thermodynamic stability) performed at Invitae indicates that this missense variant is not expected to disrupt PLEC protein function with a negative predictive value of 80%. In summary, the available evidence is currently insufficient to determine the role of this variant in disease. Therefore, it has been classified as a Variant of Uncertain Significance.

NM_201384.3(PLEC):c.2484C>G (p.Cys828Trp)

Gene: PLEC (plectin; minus strand). Cytogenetic location: 8q24.3.
Variant type: single nucleotide variant.
Coding change: c.2484C>G on transcript NM_201384.3 (MANE Select); coding-DNA position 2484, C replaced by G.
Protein change: p.Cys828Trp; replaces cysteine 828 with tryptophan.
Molecular consequence: missense variant.
Genome position (GRCh38, 1-based): chr8:143,930,272, G>C on the plus strand (C>G on the coding strand, the complement: PLEC is on the minus strand). VCF-style: chr8-143930272-G-C. GRCh37 (hg19) VCF-style: chr8-145004440-G-C.
Other names: c.2565C>G, p.Cys855Trp (NM_000445.5, NM_001410941.1); c.2442C>G, p.Cys814Trp (NM_201378.4); c.2418C>G, p.Cys806Trp (NM_201379.3); c.2895C>G, p.Cys965Trp (NM_201380.4); c.2388C>G, p.Cys796Trp (NM_201381.3); c.2484C>G, p.Cys828Trp (NM_201382.4); c.2496C>G, p.Cys832Trp (NM_201383.3); short protein forms C796W, C806W, C814W, C828W, C832W, C855W, C965W.
Identifiers: ClinVar variation 3758680 (VCV003758680.2).